The following is an entry in ClinVar:

NM_000719.7(CACNA1C):c.6022G>C (p.Ala2008Pro)

Genes: CACNA1C (calcium voltage-gated channel subunit alpha1 C; plus strand), CACNA1C-AS1 (CACNA1C antisense RNA 1; minus strand). Cytogenetic location: 12p13.33.
Variant type: single nucleotide variant.
Coding change: c.6022G>C on transcript NM_000719.7 (MANE Select); coding-DNA position 6022, G replaced by C.
Protein change: p.Ala2008Pro; replaces alanine 2008 with proline.
Molecular consequence: missense variant.
Genome position (GRCh38, 1-based): chr12:2,688,684, G>C. VCF-style: chr12-2688684-G-C. GRCh37 (hg19) VCF-style: chr12-2797850-G-C.
Other names: c.6166G>C, p.Ala2056Pro (NM_001129827.2); c.6145G>C, p.Ala2049Pro (NM_001129829.2); c.6127G>C, p.Ala2043Pro (NM_001129830.3, NM_001167624.3); c.6106G>C, p.Ala2036Pro (NM_001129831.2); c.6082G>C, p.Ala2028Pro (NM_001129832.2); c.6079G>C, p.Ala2027Pro (NM_001129833.2, NM_001129834.2, NM_001129835.2); c.6073G>C, p.Ala2025Pro (NM_001129836.2); c.6046G>C, p.Ala2016Pro (NM_001129837.2, NM_001129838.2); and 6 more; short protein forms A2025P, A2027P, A2043P, A2056P, A2068P, A1997P, A2005P, A2008P.
Identifiers: ClinVar variation 2118712 (VCV002118712.4), dbSNP rs765885227, ClinGen allele CA383385173.

ClinVar aggregate classification (germline): Uncertain significance (1 of 4 stars; one submission).

Conditions:
Long QT syndrome (LQTS). Identifiers: MedGen C0023976, MeSH D008133, MONDO:0002442. Disease mechanism: loss of function. Inheritance: Various modes of inheritance.

Submission:

Labcorp Genetics (formerly Invitae), Labcorp
Classification: Uncertain significance for Long QT syndrome. Last evaluated: 2022-03-28. Review status: criteria provided, single submitter. Criteria: Invitae Variant Classification Sherloc (09022015). Collection method: clinical testing. Allele origin: germline.
Comment: This variant has not been reported in the literature in individuals affected with CACNA1C-related conditions. This sequence change replaces alanine, which is neutral and non-polar, with proline, which is neutral and non-polar, at codon 2008 of the CACNA1C protein (p.Ala2008Pro). This variant is not present in population databases (gnomAD no frequency). Algorithms developed to predict the effect of missense changes on protein structure and function output the following: SIFT: "Tolerated"; PolyPhen-2: "Benign"; Align-GVGD: "Class C0". The proline amino acid residue is found in multiple mammalian species, which suggests that this missense change does not adversely affect protein function. In summary, the available evidence is currently insufficient to determine the role of this variant in disease. Therefore, it has been classified as a Variant of Uncertain Significance.